The following is an entry in ClinVar:

NM_015047.3(EMC1):c.1686del (p.Asn563fs)

Genes: EMC1 (ER membrane protein complex subunit 1; minus strand), EMC1-AS1 (EMC1 antisense RNA 1; plus strand). Cytogenetic location: 1p36.13.
Variant type: Deletion.
Coding change: c.1686del on transcript NM_015047.3 (MANE Select); coding-DNA position 1686, one base deleted (C; older notation c.1686delC).
Protein change: p.Asn563fs; shifts the reading frame from asparagine 563.
Molecular consequence: frameshift variant.
Genome position (GRCh38, 1-based): chr1:19,232,720, G deleted on the plus strand (C on the coding strand, the reverse complement: EMC1 is on the minus strand); the first of 3 consecutive G bases (chr1:19,232,720-19,232,722); deleting any one gives the same sequence. VCF-style (leftmost placement, unchanged base first): chr1-19232719-TG-T. GRCh37 (hg19) VCF-style: chr1-19559213-TG-T.
Other names: c.1683del, p.Asn562fs (NM_001271427.2, NM_001271428.2); c.1620del, p.Asn541fs (NM_001271429.2); c.1695del, p.Asn566fs (NM_001375820.1); c.1692del, p.Asn565fs (NM_001375821.1); short protein forms N541fs, N563fs, N565fs, N566fs, N562fs.
Identifiers: ClinVar variation 3651333 (VCV003651333.2).

ClinVar aggregate classification (germline): Pathogenic (1 of 4 stars; one submission).

Submission:

Labcorp Genetics (formerly Invitae), Labcorp
Classification: Pathogenic. Last evaluated: 2024-04-27. Review status: criteria provided, single submitter. Criteria: Invitae Variant Classification Sherloc (09022015). Collection method: clinical testing. Allele origin: germline.
Comment: This sequence change creates a premature translational stop signal (p.Asn563Metfs*10) in the EMC1 gene. It is expected to result in an absent or disrupted protein product. Loss-of-function variants in EMC1 are known to be pathogenic (PMID: 26572623, 26942288, 29271071). This variant is not present in population databases (gnomAD no frequency). This variant has not been reported in the literature in individuals affected with EMC1-related conditions. For these reasons, this variant has been classified as Pathogenic.

Literature cited by the submitters: PubMed 26572623; PubMed 26942288; PubMed 29271071.